The following is an entry in ClinVar:

NM_022166.4(XYLT1):c.517C>G (p.Gln173Glu)

Genes: XYLT1 (xylosyltransferase 1; minus strand), LOC130058566 (ATAC-STARR-seq lymphoblastoid active region 10505; plus strand). Cytogenetic location: 16p12.3.
Variant type: single nucleotide variant.
Coding change: c.517C>G on transcript NM_022166.4 (MANE Select); coding-DNA position 517, C replaced by G.
Protein change: p.Gln173Glu; replaces glutamine 173 with glutamic acid.
Molecular consequence: missense variant.
Genome position (GRCh38, 1-based): chr16:17,259,384, G>C on the plus strand (C>G on the coding strand, the complement: XYLT1 is on the minus strand). VCF-style: chr16-17259384-G-C. GRCh37 (hg19) VCF-style: chr16-17353241-G-C.
Other names: c.517C>G (NM_022166.3); short protein forms Q173E.
Identifiers: ClinVar variation 2202572 (VCV002202572.5), dbSNP rs771721270, ClinGen allele CA7928177.
Genomic context (GRCh38, chr16:17,259,384, plus strand): 5'-AAAGCTCCTTCTGTCTACTCGGTGGCTTCTTCGCCAACTCAGGCTGGTGCTTCTGCTTTT[G>C]AGTCCTGGGTGCGAAGTTGCTGTTGTCGACATTCTCAAAGTCTTTGGGGACAGAGTTCTC-3'
Protein context (NP_071449.1, residues 163-183): VDNSNFAPRT[Gln173Glu]KQKHQPELAK

ClinVar aggregate classification (germline): Uncertain significance. Review status: criteria provided, multiple submitters, no conflicts (2 of 4 stars). 2 submissions from 2 submitters: Uncertain significance (2). Last evaluated 2024-02-17.

Conditions:
Inborn genetic diseases. Identifiers: MedGen C0950123, MeSH D030342.
Desbuquois dysplasia 1 (DBQD1). Also called: DESBUQUOIS DYSPLASIA 1, KIM VARIANT; MICROMELIC DWARFISM WITH VERTEBRAL AND METAPHYSEAL ABNORMALITIES AND ADVANCED CARPOTARSAL OSSIFICATION. Identifiers: Orphanet 1425, MedGen C4012146, MONDO:0009629, OMIM 251450.

Allele frequency attached by ClinVar (database versions not stated): TOPMed below 0.00001; gnomAD 0.00001; gnomAD exomes 0.00001; ExAC 0.00002.
gnomAD v4.1: 8 of 1,614,052 alleles (0.0005%); highest among the groups gnomAD compares: Non-Finnish European, 0.00068%; no homozygotes.

Submissions (2):

Ambry Genetics
Classification: Uncertain significance for Inborn genetic diseases. Last evaluated: 2024-02-17. Review status: criteria provided, single submitter. Criteria: Ambry Variant Classification Scheme 2023. Collection method: clinical testing. Allele origin: germline.

Labcorp Genetics (formerly Invitae), Labcorp
Classification: Uncertain significance for Desbuquois dysplasia 1. Last evaluated: 2022-04-12. Review status: criteria provided, single submitter. Criteria: Invitae Variant Classification Sherloc (09022015). Collection method: clinical testing. Allele origin: germline.
Comment: In summary, the available evidence is currently insufficient to determine the role of this variant in disease. Therefore, it has been classified as a Variant of Uncertain Significance. Algorithms developed to predict the effect of missense changes on protein structure and function (SIFT, PolyPhen-2, Align-GVGD) all suggest that this variant is likely to be tolerated. This variant has not been reported in the literature in individuals affected with XYLT1-related conditions. This variant is present in population databases (rs771721270, gnomAD 0.002%). This sequence change replaces glutamine, which is neutral and polar, with glutamic acid, which is acidic and polar, at codon 173 of the XYLT1 protein (p.Gln173Glu).